The following is an entry in ClinVar:

NM_018489.3(ASH1L):c.5725G>A (p.Glu1909Lys)

Gene: ASH1L (ASH1 like histone lysine methyltransferase; minus strand). Cytogenetic location: 1q22.
Variant type: single nucleotide variant.
Coding change: c.5725G>A on transcript NM_018489.3 (MANE Select); coding-DNA position 5725, G replaced by A.
Protein change: p.Glu1909Lys; replaces glutamic acid 1909 with lysine.
Molecular consequence: missense variant.
Genome position (GRCh38, 1-based): chr1:155,438,430, C>T on the plus strand (G>A on the coding strand, the complement: ASH1L is on the minus strand). VCF-style: chr1-155438430-C-T. GRCh37 (hg19) VCF-style: chr1-155408221-C-T.
Other names: c.5725G>A, p.Glu1909Lys (NM_001366177.2); short protein forms E1909K.
Identifiers: ClinVar variation 1318980 (VCV001318980.2), dbSNP rs1369495534, ClinGen allele CA342687438.

ClinVar aggregate classification (germline): Uncertain significance (1 of 4 stars; one submission).

Submission:

GeneDx
Classification: Uncertain significance. Last evaluated: 2021-08-02. Review status: criteria provided, single submitter. Criteria: GeneDx Variant Classification Process June 2021. Collection method: clinical testing. Allele origin: germline. Affected: yes.
Comment: Not observed at significant frequency in large population cohorts (Lek et al., 2016); In silico analysis supports that this missense variant does not alter protein structure/function; Has not been previously published as pathogenic or benign to our knowledge